The following is an entry in ClinVar:

ClinVar aggregate classification (germline): Likely benign. Review status: criteria provided, multiple submitters, no conflicts (2 of 4 stars). 3 submissions from 3 submitters: Likely benign (3). Last evaluated 2025-08-04.

Conditions:
FG syndrome (FGS). Identifiers: MedGen C0220769, MONDO:0002010.

Allele frequency attached by ClinVar (database versions not stated): gnomAD exomes 0.00001.

Submissions (3):

Labcorp Genetics (formerly Invitae), Labcorp
Classification: Likely benign for FG syndrome. Last evaluated: 2025-08-04. Review status: criteria provided, single submitter. Criteria: Invitae Variant Classification Sherloc (09022015). Collection method: clinical testing. Allele origin: germline.

CeGaT Center for Human Genetics Tuebingen
Classification: Likely benign. Last evaluated: 2024-10-01. Review status: criteria provided, single submitter. Criteria: CeGaT Center For Human Genetics Tuebingen Variant Classification Criteria Version 2. Collection method: clinical testing. Allele origin: germline. Affected: yes. Observed: 2 variant alleles.
Comment: MED12: PM2, BP4, BS2

GeneDx
Classification: Likely benign. Last evaluated: 2020-12-28. Review status: criteria provided, single submitter. Criteria: GeneDx Variant Classification Process June 2021. Collection method: clinical testing. Allele origin: germline. Affected: yes.

NM_005120.3(MED12):c.4416-8G>T

Gene: MED12 (mediator complex subunit 12; plus strand). Cytogenetic location: Xq13.1.
Variant type: single nucleotide variant.
Coding change: c.4416-8G>T on transcript NM_005120.3 (MANE Select); 8 bases into the intron before coding-DNA position 4416, G replaced by T.
Molecular consequence: intron variant.
Genome position (GRCh38, 1-based): chrX:71,132,837, G>T. VCF-style: chrX-71132837-G-T. GRCh37 (hg19) VCF-style: chrX-70352687-G-T.
Identifiers: ClinVar variation 1189284 (VCV001189284.28), dbSNP rs770256156, ClinGen allele CA641918632.